The following is an entry in ClinVar:

ClinVar aggregate classification (germline): Conflicting classifications of pathogenicity. Review status: criteria provided, conflicting classifications (1 of 4 stars). 2 submissions from 2 submitters: Uncertain significance (1); Likely benign (1). Last evaluated 2024-09-20.

Conditions:
ADNP-related multiple congenital anomalies - intellectual disability - autism spectrum disorder. Also called: Helsmoortel-Van der Aa Syndrome; ADNP-Related Helsmoortel-Van der Aa Syndrome. Identifiers: Orphanet 404448, MedGen C4014538, MONDO:0014379, OMIM 615873. Disease mechanism: loss of function.

Submissions (2):

3billion
Classification: Likely benign for ADNP-related multiple congenital anomalies - intellectual disability - autism spectrum disorder. Last evaluated: 2024-09-20. Review status: criteria provided, single submitter. Criteria: ACMG Guidelines, 2015. Collection method: clinical testing. Allele origin: germline. Affected: no.
Comment: The variant was identified in at least one patient who was diagnosed with a different variant in another gene and showed no symptoms related to the gene containing the variant in question.

Labcorp Genetics (formerly Invitae), Labcorp
Classification: Uncertain significance. Last evaluated: 2022-05-06. Review status: criteria provided, single submitter. Criteria: Invitae Variant Classification Sherloc (09022015). Collection method: clinical testing. Allele origin: germline.
Comment: In summary, the available evidence is currently insufficient to determine the role of this variant in disease. Therefore, it has been classified as a Variant of Uncertain Significance. Algorithms developed to predict the effect of missense changes on protein structure and function are either unavailable or do not agree on the potential impact of this missense change (SIFT: "Not Available"; PolyPhen-2: "Probably Damaging"; Align-GVGD: "Not Available"). This variant has not been reported in the literature in individuals affected with ADNP-related conditions. This variant is not present in population databases (gnomAD no frequency). This sequence change replaces histidine, which is basic and polar, with aspartic acid, which is acidic and polar, at codon 326 of the ADNP protein (p.His326Asp).

NM_001282531.3(ADNP):c.976C>G (p.His326Asp)

Gene: ADNP (activity dependent neuroprotector homeobox; minus strand). Cytogenetic location: 20q13.13.
Variant type: single nucleotide variant.
Coding change: c.976C>G on transcript NM_001282531.3 (MANE Select); coding-DNA position 976, C replaced by G.
Protein change: p.His326Asp; replaces histidine 326 with aspartic acid.
Molecular consequence: missense variant.
Genome position (GRCh38, 1-based): chr20:50,893,738, G>C on the plus strand (C>G on the coding strand, the complement: ADNP is on the minus strand). VCF-style: chr20-50893738-G-C. GRCh37 (hg19) VCF-style: chr20-49510275-G-C.
Other names: c.976C>G, p.His326Asp (NM_001282532.2, NM_001347511.2, NM_015339.5 and 1 more transcripts); short protein forms H326D.
Identifiers: ClinVar variation 2134636 (VCV002134636.5), dbSNP rs2515588341, ClinGen allele CA408974864.